The following is an entry in ClinVar:

ClinVar aggregate classification (germline): Uncertain significance (1 of 4 stars; one submission).

Allele frequency attached by ClinVar (database versions not stated): gnomAD exomes below 0.00001.
gnomAD v4.1: 2 of 1,589,724 alleles (0.00013%); highest among the groups gnomAD compares: Admixed American, 0.0035%; no homozygotes.

Submission:

Labcorp Genetics (formerly Invitae), Labcorp
Classification: Uncertain significance. Last evaluated: 2024-09-16. Review status: criteria provided, single submitter. Criteria: Invitae Variant Classification Sherloc (09022015). Collection method: clinical testing. Allele origin: germline.
Comment: This sequence change falls in intron 17 of the SCN3A gene. It does not directly change the encoded amino acid sequence of the SCN3A protein. It affects a nucleotide within the consensus splice site. This variant is present in population databases (no rsID available, gnomAD 0.006%). This variant has not been reported in the literature in individuals affected with SCN3A-related conditions. Variants that disrupt the consensus splice site are a relatively common cause of aberrant splicing (PMID: 17576681, 9536098). Algorithms developed to predict the effect of sequence changes on RNA splicing suggest that this variant is not likely to affect RNA splicing. In summary, the available evidence is currently insufficient to determine the role of this variant in disease. Therefore, it has been classified as a Variant of Uncertain Significance.

Literature cited by the submitters: PubMed 17576681; PubMed 9536098.

NM_006922.4(SCN3A):c.2923-3T>C

Gene: SCN3A (sodium voltage-gated channel alpha subunit 3; minus strand). Cytogenetic location: 2q24.3.
Variant type: single nucleotide variant.
Coding change: c.2923-3T>C on transcript NM_006922.4 (MANE Select); 3 bases into the intron before coding-DNA position 2923, T replaced by C.
Molecular consequence: intron variant.
Genome position (GRCh38, 1-based): chr2:165,128,104, A>G on the plus strand (T>C on the coding strand, the complement: SCN3A is on the minus strand). VCF-style: chr2-165128104-A-G. GRCh37 (hg19) VCF-style: chr2-165984614-A-G.
Other names: c.2776-3T>C (NM_001081676.2, NM_001081677.2).
Identifiers: ClinVar variation 2919276 (VCV002919276.3), dbSNP rs1403381843, ClinGen allele CA537122999.